The following is an entry in ClinVar:

NC_000012.12:g.119176302AACA[1]

Genes: LOC105370024 (uncharacterized LOC105370024; minus strand), LOC126861653 (CDK7 strongly-dependent group 2 enhancer GRCh37_chr12:119613960-119615159; plus strand). Cytogenetic location: 12q24.23.
Variant type: Microsatellite.
Genome position: GRCh38 VCF-style: chr12-119176300-TAAAC-T. GRCh37 (hg19) VCF-style: chr12-119614105-TAAAC-T.
Other names: NR_134996.1:n.78+103_78+106del.
Identifiers: ClinVar variation 4974517 (VCV004974517.1).

ClinVar aggregate classification (germline): Uncertain significance (1 of 4 stars; one submission).

Conditions:
Neuronopathy, distal hereditary motor, autosomal dominant. Also called: Autosomal dominant distal hereditary motor neuropathy. Identifiers: Orphanet 140465, MedGen C5548212, MONDO:0015362.

Submission:

Broad Center for Mendelian Genomics, Broad Institute of MIT and Harvard
Classification: Uncertain significance for Neuronopathy, distal hereditary motor, autosomal dominant. Last evaluated: 2026-08-26. Review status: criteria provided, single submitter. Criteria: ACMG Guidelines, 2015. Collection method: research. Allele origin: germline. Inheritance: Autosomal dominant inheritance. Study: GREGoR Consortium.
Comment: The heterozygous n.73+2308_73+2311del variant in HSPB8 was identified by our study in 2 siblings with distal hereditary motor neuropathy. The n.73+2308_73+2311del variant in HSPB8 has not been previously reported in the literature in individuals with distal hereditary neuropathy, and has been identified in 0.007% (3/41410) of African/African American chromosomes by the Genome Aggregation Database (gnomAD; dbSNP rs1479829213). Although this variant has been seen in the general population in a heterozygous state, its frequency is not high enough to rule out a pathogenic role. Computational prediction tools and conservation analyses do not provide strong support for or against an impact to the protein. In summary, the clinical significance of the n.73+2308_73+2311del variant is uncertain. ACMG/AMP Criteria applied: none (Richards 2015).